The following is an entry in ClinVar:

ClinVar aggregate classification (germline): Conflicting classifications of pathogenicity. Review status: criteria provided, conflicting classifications (1 of 4 stars). 6 submissions from 6 submitters: Uncertain significance (4); Likely benign (2). Last evaluated 2026-07-01.

Conditions:
Malignant hyperthermia, susceptibility to, 1 (MHS1). Also called: Anesthesia related hyperthermia; Malignant hyperpyrexia; Fulminating hyperpyrexia; Pharmacogenic myopathy; RYR1-Related Malignant Hyperthermia Susceptibility; Malignant hyperthermia suceptibility 1. Identifiers: Orphanet 423, MedGen C2930980, MONDO:0007783, OMIM 145600.
RYR1-related disorder. Also called: RYR1-related disorders; RYR1-related condition. Identifiers: MedGen CN239331.
Inborn genetic diseases. Identifiers: MedGen C0950123, MeSH D030342.

Allele frequency attached by ClinVar (database versions not stated): gnomAD exomes 0.00004 and 0.00009; ExAC 0.00014; gnomAD 0.00029 and 0.00030; TOPMed 0.00036; ESP Exome Variant Server 0.00054.
gnomAD v4.1: 95 of 1,609,084 alleles (0.0059%); highest among the groups gnomAD compares: African/African-American, 0.1%; no homozygotes.

Submissions (6):

Ambry Genetics
Classification: Uncertain significance for Inborn genetic diseases. Last evaluated: 2026-07-01. Review status: criteria provided, single submitter. Criteria: Ambry Variant Classification Scheme 2023. Collection method: clinical testing. Allele origin: germline.
Comment: The p.V27M variant (also known as c.79G>A), located in coding exon 2 of the RYR1 gene, results from a G to A substitution at nucleotide position 79. The valine at codon 27 is replaced by methionine, an amino acid with highly similar properties. This amino acid position is conserved. In addition, the in silico prediction for this alteration is inconclusive. Based on the available evidence, the clinical significance of this variant remains unclear.

Labcorp Genetics (formerly Invitae), Labcorp
Classification: Likely benign for RYR1-related disorder. Last evaluated: 2026-01-22. Review status: criteria provided, single submitter. Criteria: Invitae Variant Classification Sherloc (09022015). Collection method: clinical testing. Allele origin: germline.

PreventionGenetics, part of Exact Sciences
Classification: Uncertain significance for RYR1-related condition. Last evaluated: 2025-11-03. Review status: criteria provided, single submitter. Criteria: ACMG Guidelines, 2015. Collection method: clinical testing. Allele origin: germline.
Comment: The RYR1 c.79G>A variant is predicted to result in the amino acid substitution p.Val27Met. To our knowledge, this variant has not been reported in the literature. This variant is reported in 0.11% of alleles in individuals of African descent in gnomAD. Although we suspect that this variant may be benign, at this time, the clinical significance of this variant is uncertain due to the absence of conclusive functional and genetic evidence.

Mayo Clinic Laboratories, Mayo Clinic
Classification: Uncertain significance. Last evaluated: 2025-08-15. Review status: criteria provided, single submitter. Criteria: ACMG Guidelines, 2015. Collection method: clinical testing. Allele origin: germline. Observed: 2 variant alleles.

Revvity Omics, Revvity
Classification: Uncertain significance. Last evaluated: 2025-04-08. Review status: criteria provided, single submitter. Criteria: ACMG Guidelines, 2015. Collection method: clinical testing. Allele origin: germline.

Color Diagnostics, LLC DBA Color Health
Classification: Likely benign for Malignant hyperthermia, susceptibility to, 1. Last evaluated: 2022-08-18. Review status: criteria provided, single submitter. Criteria: ACMG Guidelines, 2015. Collection method: clinical testing. Allele origin: germline.

NM_000540.3(RYR1):c.79G>A (p.Val27Met)

Gene: RYR1 (ryanodine receptor 1; plus strand). Cytogenetic location: 19q13.2.
Variant type: single nucleotide variant.
Coding change: c.79G>A on transcript NM_000540.3 (MANE Select); coding-DNA position 79, G replaced by A.
Protein change: p.Val27Met; replaces valine 27 with methionine.
Molecular consequence: missense variant.
Genome position (GRCh38, 1-based): chr19:38,440,778, G>A. VCF-style: chr19-38440778-G-A. GRCh37 (hg19) VCF-style: chr19-38931418-G-A.
Other names: p.Val27Met; c.79G>A, p.Val27Met (NM_001042723.2); short protein forms V27M.
Identifiers: ClinVar variation 666139 (VCV000666139.21), dbSNP rs143481004, ClinGen allele CA071214.